The following is an entry in ClinVar:

ClinVar aggregate classification (germline): Benign/Likely benign. Review status: criteria provided, multiple submitters, no conflicts (2 of 4 stars). 3 submissions from 3 submitters: Benign (1); Likely benign (1). 1 of the submissions does not count toward it. Last evaluated 2022-06-01.

Conditions:
EP400-related disorder. Also called: EP400-related condition.

Allele frequency attached by ClinVar (database versions not stated): 1000 Genomes Project 0.00060; 1000 Genomes Project 30x 0.00062; TOPMed 0.00093; ESP Exome Variant Server 0.00101; gnomAD 0.00156 and 0.00165; gnomAD exomes 0.00228; ExAC 0.00231.
gnomAD v4.1: 3,324 of 1,612,440 alleles (0.21%); highest among the groups gnomAD compares: Non-Finnish European, 0.21%; 7 homozygotes.

Submissions (3):

CeGaT Center for Human Genetics Tuebingen
Classification: Likely benign. Last evaluated: 2022-06-01. Review status: criteria provided, single submitter. Criteria: CeGaT Center For Human Genetics Tuebingen Variant Classification Criteria Version 2. Collection method: clinical testing. Allele origin: germline. Affected: yes. Observed: 2 variant alleles.
Comment: EP400: BP4, BP7

Labcorp Genetics (formerly Invitae), Labcorp
Classification: Benign. Last evaluated: 2018-05-03. Review status: criteria provided, single submitter. Criteria: Invitae Variant Classification Sherloc (09022015). Collection method: clinical testing. Allele origin: germline.

PreventionGenetics, part of Exact Sciences
Classification: Benign for EP400-related condition. Last evaluated: 2019-06-11. Review status: no assertion criteria provided. Collection method: clinical testing. Allele origin: germline. Not counted in ClinVar's aggregate classification.
Comment: This variant is classified as benign based on ACMG/AMP sequence variant interpretation guidelines (Richards et al. 2015 PMID: 25741868, with internal and published modifications).

NM_015409.5(EP400):c.9126G>A (p.Thr3042=)

Gene: EP400 (E1A binding protein p400; plus strand). Cytogenetic location: 12q24.33.
Variant type: single nucleotide variant.
Coding change: c.9126G>A on transcript NM_015409.5 (MANE Select); coding-DNA position 9126, G replaced by A.
Protein change: p.Thr3042=; no amino-acid change (threonine 3042 retained).
Molecular consequence: synonymous variant.
Genome position (GRCh38, 1-based): chr12:132,077,427, G>A. VCF-style: chr12-132077427-G-A. GRCh37 (hg19) VCF-style: chr12-132561972-G-A.
Identifiers: ClinVar variation 728476 (VCV000728476.28), dbSNP rs142706183, ClinGen allele CA6887440.